The following is an entry in ClinVar:

NM_014797.3(ZBTB24):c.679A>G (p.Arg227Gly)

Gene: ZBTB24 (zinc finger and BTB domain containing 24; minus strand). Cytogenetic location: 6q21.
Variant type: single nucleotide variant.
Coding change: c.679A>G on transcript NM_014797.3 (MANE Select); coding-DNA position 679, A replaced by G.
Protein change: p.Arg227Gly; replaces arginine 227 with glycine.
Molecular consequence: missense variant.
Genome position (GRCh38, 1-based): chr6:109,481,348, T>C on the plus strand (A>G on the coding strand, the complement: ZBTB24 is on the minus strand). VCF-style: chr6-109481348-T-C. GRCh37 (hg19) VCF-style: chr6-109802551-T-C.
Other names: c.679A>G, p.Arg227Gly (NM_001164313.2); short protein forms R227G.
Identifiers: ClinVar variation 2183467 (VCV002183467.2), dbSNP rs368513830, ClinGen allele CA3954308.

ClinVar aggregate classification (germline): Uncertain significance. Review status: criteria provided, multiple submitters, no conflicts (2 of 4 stars). 2 submissions from 2 submitters: Uncertain significance (2). Last evaluated 2024-10-20.

Conditions:
Immunodeficiency-centromeric instability-facial anomalies syndrome 2 (ICF2). Identifiers: Orphanet 2268, MedGen C3279748, MONDO:0013553, OMIM 614069.
Inborn genetic diseases. Identifiers: MedGen C0950123, MeSH D030342.

Allele frequency attached by ClinVar (database versions not stated): gnomAD exomes 0.00001; ExAC 0.00002; gnomAD 0.00005; TOPMed 0.00006; ESP Exome Variant Server 0.00008.
gnomAD v4.1: 24 of 1,614,108 alleles (0.0015%); highest among the groups gnomAD compares: Non-Finnish European, 0.0017%; no homozygotes.

Submissions (2):

Ambry Genetics
Classification: Uncertain significance for Inborn genetic diseases. Last evaluated: 2024-10-20. Review status: criteria provided, single submitter. Criteria: Ambry Variant Classification Scheme 2023. Collection method: clinical testing. Allele origin: germline.

Labcorp Genetics (formerly Invitae), Labcorp
Classification: Uncertain significance for Immunodeficiency-centromeric instability-facial anomalies syndrome 2. Last evaluated: 2022-08-03. Review status: criteria provided, single submitter. Criteria: Invitae Variant Classification Sherloc (09022015). Collection method: clinical testing. Allele origin: germline.
Comment: This sequence change replaces arginine, which is basic and polar, with glycine, which is neutral and non-polar, at codon 227 of the ZBTB24 protein (p.Arg227Gly). This variant is present in population databases (rs368513830, gnomAD 0.006%). This variant has not been reported in the literature in individuals affected with ZBTB24-related conditions. Algorithms developed to predict the effect of missense changes on protein structure and function output the following: SIFT: "Not Available"; PolyPhen-2: "Benign"; Align-GVGD: "Not Available". The glycine amino acid residue is found in multiple mammalian species, which suggests that this missense change does not adversely affect protein function. In summary, the available evidence is currently insufficient to determine the role of this variant in disease. Therefore, it has been classified as a Variant of Uncertain Significance.